The following is an entry in ClinVar:

NM_001166114.2(PNPLA6):c.2331C>G (p.Ile777Met)

Gene: PNPLA6 (patatin like domain 6, lysophospholipase; plus strand). Cytogenetic location: 19p13.2.
Variant type: single nucleotide variant.
Coding change: c.2331C>G on transcript NM_001166114.2 (MANE Select); coding-DNA position 2331, C replaced by G.
Protein change: p.Ile777Met; replaces isoleucine 777 with methionine.
Molecular consequence: missense variant.
Genome position (GRCh38, 1-based): chr19:7,553,945, C>G. VCF-style: chr19-7553945-C-G. GRCh37 (hg19) VCF-style: chr19-7618831-C-G.
Other names: c.2361C>G, p.Ile787Met (NM_001166111.2); c.2136C>G, p.Ile712Met (NM_001166112.2); c.2217C>G, p.Ile739Met (NM_001166113.1, NM_006702.5); short protein forms I739M, I777M, I712M, I787M.
Identifiers: ClinVar variation 1915680 (VCV001915680.5), dbSNP rs1269539317, ClinGen allele CA403126619.

ClinVar aggregate classification (germline): Uncertain significance (1 of 4 stars; one submission).

Conditions:
Hereditary spastic paraplegia 39 (SPG39). Also called: SPASTIC PARAPLEGIA 39, AUTOSOMAL RECESSIVE; Spastic Paraplegia Type 39 (SPG39). Identifiers: Orphanet 139480, MedGen C2677586, MONDO:0012787, OMIM 612020.

Allele frequency attached by ClinVar (database versions not stated): TOPMed below 0.00001; gnomAD 0.00001.
gnomAD v4.1: 3 of 1,614,076 alleles (0.00019%); highest among the groups gnomAD compares: Admixed American, 0.0017%; no homozygotes.

Submission:

Labcorp Genetics (formerly Invitae), Labcorp
Classification: Uncertain significance for Hereditary spastic paraplegia 39. Last evaluated: 2022-06-23. Review status: criteria provided, single submitter. Criteria: Invitae Variant Classification Sherloc (09022015). Collection method: clinical testing. Allele origin: germline.
Comment: In summary, the available evidence is currently insufficient to determine the role of this variant in disease. Therefore, it has been classified as a Variant of Uncertain Significance. Algorithms developed to predict the effect of missense changes on protein structure and function are either unavailable or do not agree on the potential impact of this missense change (SIFT: "Deleterious"; PolyPhen-2: "Benign"; Align-GVGD: "Class C0"). This variant has not been reported in the literature in individuals affected with PNPLA6-related conditions. This variant is not present in population databases (gnomAD no frequency). This sequence change replaces isoleucine, which is neutral and non-polar, with methionine, which is neutral and non-polar, at codon 739 of the PNPLA6 protein (p.Ile739Met).